The following is an entry in ClinVar:

ClinVar aggregate classification (germline): Uncertain significance. Review status: criteria provided, multiple submitters, no conflicts (2 of 4 stars). 2 submissions from 2 submitters: Uncertain significance (2). Last evaluated 2025-08-25.

Conditions:
Inborn genetic diseases. Identifiers: MedGen C0950123, MeSH D030342.

gnomAD v4.1: 1 of 1,613,554 alleles (0.000062%); highest among the groups gnomAD compares: Non-Finnish European, 0.000085%; no homozygotes.

Submissions (2):

Ambry Genetics
Classification: Uncertain significance for Inborn genetic diseases. Last evaluated: 2025-08-25. Review status: criteria provided, single submitter. Criteria: Ambry Variant Classification Scheme 2023. Collection method: clinical testing. Allele origin: germline.

Mayo Clinic Laboratories, Mayo Clinic
Classification: Uncertain significance. Last evaluated: 2024-10-22. Review status: criteria provided, single submitter. Criteria: ACMG Guidelines, 2015. Collection method: clinical testing. Allele origin: germline. Observed: 1 variant allele.
Comment: PP3, PM2_supporting

NM_000069.3(CACNA1S):c.3504G>C (p.Lys1168Asn)

Gene: CACNA1S (calcium voltage-gated channel subunit alpha1 S; minus strand). Cytogenetic location: 1q32.1.
Variant type: single nucleotide variant.
Coding change: c.3504G>C on transcript NM_000069.3 (MANE Select); coding-DNA position 3504, G replaced by C.
Protein change: p.Lys1168Asn; replaces lysine 1168 with asparagine.
Molecular consequence: missense variant.
Genome position (GRCh38, 1-based): chr1:201,059,210, C>G on the plus strand (G>C on the coding strand, the complement: CACNA1S is on the minus strand). VCF-style: chr1-201059210-C-G. GRCh37 (hg19) VCF-style: chr1-201028338-C-G.
Other names: p.Lys1168Asn; short protein forms K1168N.
Identifiers: ClinVar variation 4217913 (VCV004217913.2).
Genomic context (GRCh38, chr1:201,059,210, plus strand): 5'-CCCCAGCTTCTCATCTGGCCCGGTGGCCCCCACACTCACCCTGGCCTTGAAGGCCATGAG[C>G]TTGAGGATCATCTCCAGGGTGAAGATGATAGTGAAGGCCACATTGAGGATGTCTGAGATG-3'
Protein context (NP_000060.2, residues 1158-1178): TIIFTLEMIL[Lys1168Asn]LMAFKARGYF